The following is an entry in ClinVar:

ClinVar aggregate classification (germline): Uncertain significance (1 of 4 stars; one submission).

Conditions:
Spondyloenchondrodysplasia with immune dysregulation (SPENCDI). Also called: COMBINED IMMUNODEFICIENCY WITH AUTOIMMUNITY AND SPONDYLOMETAPHYSEAL DYSPLASIA; ROIFMAN IMMUNOSKELETAL SYNDROME; SPONDYLOENCHONDRODYSPLASIA WITH OR WITHOUT IMMUNE DYSREGULATION. Identifiers: Orphanet 1855, MedGen C1842763, MONDO:0011939, OMIM 607944.

Allele frequency attached by ClinVar (database versions not stated): gnomAD exomes 0.00001 and 0.00002; ExAC 0.00002; gnomAD 0.00002; TOPMed 0.00002.

Submissions (2):

Labcorp Genetics (formerly Invitae), Labcorp
Classification: Uncertain significance for Spondyloenchondrodysplasia with immune dysregulation. Last evaluated: 2022-06-23. Review status: criteria provided, single submitter. Criteria: Invitae Variant Classification Sherloc (09022015). Collection method: clinical testing. Allele origin: germline.
Comment: This sequence change falls in intron 4 of the ACP5 gene. It does not directly change the encoded amino acid sequence of the ACP5 protein. It affects a nucleotide within the consensus splice site. This variant is present in population databases (rs775396112, gnomAD 0.004%). This variant has not been reported in the literature in individuals affected with ACP5-related conditions. ClinVar contains an entry for this variant (Variation ID: 957661). Variants that disrupt the consensus splice site are a relatively common cause of aberrant splicing (PMID: 17576681, 9536098). Algorithms developed to predict the effect of sequence changes on RNA splicing suggest that this variant is not likely to affect RNA splicing. In summary, the available evidence is currently insufficient to determine the role of this variant in disease. Therefore, it has been classified as a Variant of Uncertain Significance.

Dr. Peter K. Rogan Lab, Western University
No classification provided (evidence only). Condition: Cervical cancer. Review status: no classification provided. Collection method: in vitro. Allele origin: not applicable. Functional consequence: retained intron. Not counted in ClinVar's aggregate classification.

Literature cited by the submitters: PubMed 17576681 (cited by Labcorp Genetics (formerly Invitae), Labcorp); PubMed 9536098 (cited by Labcorp Genetics (formerly Invitae), Labcorp).

NM_001611.5(ACP5):c.261+6T>C

Gene: ACP5 (acid phosphatase 5, tartrate resistant; minus strand). Cytogenetic location: 19p13.2.
Variant type: single nucleotide variant.
Coding change: c.261+6T>C on transcript NM_001611.5 (MANE Select); 6 bases into the intron after coding-DNA position 261, T replaced by C.
Molecular consequence: intron variant.
Genome position (GRCh38, 1-based): chr19:11,577,051, A>G on the plus strand (T>C on the coding strand, the complement: ACP5 is on the minus strand). VCF-style: chr19-11577051-A-G. GRCh37 (hg19) VCF-style: chr19-11687866-A-G.
Other names: c.261+6T>C (NM_001111036.3, NM_001111035.3, NM_001111034.3 and 1 more transcripts).
Identifiers: ClinVar variation 957661 (VCV000957661.6), dbSNP rs775396112, ClinGen allele CA9215501.